The following is an entry in ClinVar:

NM_000303.3(PMM2):c.447+4C>T

Gene: PMM2 (phosphomannomutase 2; plus strand). Cytogenetic location: 16p13.2.
Variant type: single nucleotide variant.
Coding change: c.447+4C>T on transcript NM_000303.3 (MANE Select); 4 bases into the intron after coding-DNA position 447, C replaced by T.
Molecular consequence: intron variant.
Genome position (GRCh38, 1-based): chr16:8,811,182, C>T. VCF-style: chr16-8811182-C-T. GRCh37 (hg19) VCF-style: chr16-8905039-C-T.
Identifiers: ClinVar variation 321217 (VCV000321217.7), dbSNP rs537238935, ClinGen allele CA7894061.

ClinVar aggregate classification (germline): Conflicting classifications of pathogenicity. Review status: criteria provided, conflicting classifications (1 of 4 stars). 3 submissions from 3 submitters: Uncertain significance (2); Likely benign (1). Last evaluated 2022-05-12.

Conditions:
PMM2-congenital disorder of glycosylation. Also called: CDG Ia; JAEKEN SYNDROME; PHOSPHOMANNOMUTASE 2 DEFICIENCY; Congenital disorder of glycosylation, type Ia; CARBOHYDRATE-DEFICIENT GLYCOPROTEIN SYNDROME, TYPE Ia; PMM2-CDG. Identifiers: Orphanet 79318, MedGen C0349653, MONDO:0008907, OMIM 212065.

Allele frequency attached by ClinVar (database versions not stated): gnomAD exomes 0.00003 and 0.00016; gnomAD 0.00004 and 0.00009; TOPMed 0.00007; 1000 Genomes Project 30x 0.00078; 1000 Genomes Project 0.00080; ExAC 0.00014.
gnomAD v4.1: 55 of 1,533,312 alleles (0.0036%); highest among the groups gnomAD compares: East Asian, 0.11%; no homozygotes.

Submissions (3):

Labcorp Genetics (formerly Invitae), Labcorp
Classification: Uncertain significance for PMM2-congenital disorder of glycosylation. Last evaluated: 2022-05-12. Review status: criteria provided, single submitter. Criteria: Invitae Variant Classification Sherloc (09022015). Collection method: clinical testing. Allele origin: germline.
Comment: This sequence change falls in intron 5 of the PMM2 gene. It does not directly change the encoded amino acid sequence of the PMM2 protein. It affects a nucleotide within the consensus splice site. This variant is present in population databases (rs537238935, gnomAD 0.2%). This variant has not been reported in the literature in individuals affected with PMM2-related conditions. ClinVar contains an entry for this variant (Variation ID: 321217). Variants that disrupt the consensus splice site are a relatively common cause of aberrant splicing (PMID: 17576681, 9536098). Algorithms developed to predict the effect of sequence changes on RNA splicing suggest that this variant is not likely to affect RNA splicing. In summary, the available evidence is currently insufficient to determine the role of this variant in disease. Therefore, it has been classified as a Variant of Uncertain Significance.

Illumina Laboratory Services, Illumina
Classification: Uncertain significance for PMM2-congenital disorder of glycosylation. Last evaluated: 2018-01-12. Review status: criteria provided, single submitter. Criteria: ICSL Variant Classification Criteria 13 December 2019. Collection method: clinical testing. Allele origin: germline.

GeneDx
Classification: Likely benign. Last evaluated: 2016-10-12. Review status: criteria provided, single submitter. Criteria: GeneDx Variant Classification (06012015). Collection method: clinical testing. Allele origin: germline. Affected: yes.
Comment: This variant is considered likely benign or benign based on one or more of the following criteria: it is a conservative change, it occurs at a poorly conserved position in the protein, it is predicted to be benign by multiple in silico algorithms, and/or has population frequency not consistent with disease.

Literature cited by the submitters: PubMed 17576681 (cited by Labcorp Genetics (formerly Invitae), Labcorp); PubMed 9536098 (cited by Labcorp Genetics (formerly Invitae), Labcorp).